The following is an entry in ClinVar:

NM_015425.6(POLR1A):c.4074T>G (p.Asn1358Lys)

Gene: POLR1A (RNA polymerase I subunit A; minus strand). Cytogenetic location: 2p11.2.
Variant type: single nucleotide variant.
Coding change: c.4074T>G on transcript NM_015425.6 (MANE Select); coding-DNA position 4074, T replaced by G.
Protein change: p.Asn1358Lys; replaces asparagine 1358 with lysine.
Molecular consequence: missense variant.
Genome position (GRCh38, 1-based): chr2:86,033,748, A>C on the plus strand (T>G on the coding strand, the complement: POLR1A is on the minus strand). VCF-style: chr2-86033748-A-C. GRCh37 (hg19) VCF-style: chr2-86260871-A-C.
Other names: short protein forms N1358K.
Identifiers: ClinVar variation 1443836 (VCV001443836.6), dbSNP rs528582285, ClinGen allele CA1745596.

ClinVar aggregate classification (germline): Uncertain significance (1 of 4 stars; one submission).

Allele frequency attached by ClinVar (database versions not stated): gnomAD exomes below 0.00001 and 0.00001; ExAC 0.00001.
gnomAD v4.1: 4 of 1,614,064 alleles (0.00025%); highest among the groups gnomAD compares: Middle Eastern, 0.017%; no homozygotes.

Submission:

Labcorp Genetics (formerly Invitae), Labcorp
Classification: Uncertain significance. Last evaluated: 2022-07-19. Review status: criteria provided, single submitter. Criteria: Invitae Variant Classification Sherloc (09022015). Collection method: clinical testing. Allele origin: germline.
Comment: In summary, the available evidence is currently insufficient to determine the role of this variant in disease. Therefore, it has been classified as a Variant of Uncertain Significance. Algorithms developed to predict the effect of missense changes on protein structure and function are either unavailable or do not agree on the potential impact of this missense change (SIFT: "Not Available"; PolyPhen-2: "Benign"; Align-GVGD: "Not Available"). ClinVar contains an entry for this variant (Variation ID: 1443836). This variant has not been reported in the literature in individuals affected with POLR1A-related conditions. This variant is present in population databases (rs528582285, gnomAD 0.006%). This sequence change replaces asparagine with lysine at codon 1358 of the POLR1A protein (p.Asn1358Lys). The asparagine residue is weakly conserved and there is a moderate physicochemical difference between asparagine and lysine.